The following is an entry in ClinVar:

NM_000551.4(VHL):c.244C>T (p.Arg82Cys)

Gene: VHL (von Hippel-Lindau tumor suppressor; plus strand). Cytogenetic location: 3p25.3.
Variant type: single nucleotide variant.
Coding change: c.244C>T on transcript NM_000551.4 (MANE Select); coding-DNA position 244, C replaced by T.
Protein change: p.Arg82Cys; replaces arginine 82 with cysteine.
Molecular consequence: missense variant.
Genome position (GRCh38, 1-based): chr3:10,142,091, C>T. VCF-style: chr3-10142091-C-T. GRCh37 (hg19) VCF-style: chr3-10183775-C-T.
Other names: c.244C>T, p.Arg82Cys (NM_001354723.2, NM_198156.3); short protein forms R82C.
Identifiers: ClinVar variation 933618 (VCV000933618.13), dbSNP rs1214305423, ClinGen allele CA351750541.

ClinVar aggregate classification (germline): Uncertain significance. Review status: criteria provided, multiple submitters, no conflicts (2 of 4 stars). 2 submissions from 2 submitters: Uncertain significance (2). Last evaluated 2025-07-17.

Conditions:
Hereditary cancer-predisposing syndrome. Also called: Tumor predisposition; Hereditary neoplastic syndrome; Neoplastic Syndromes, Hereditary; Hereditary Cancer Syndrome. Identifiers: Orphanet 140162, MedGen C0027672, MeSH D009386, MONDO:0015356.
Chuvash polycythemia. Also called: POLYCYTHEMIA, VHL-DEPENDENT. Identifiers: Orphanet 238557, MedGen C1837915, MONDO:0009892, OMIM 263400.
Von Hippel-Lindau syndrome (VHLS). Also called: Von Hippel-Lindau; VHL syndrome; von Hippel–Lindau syndrome. Identifiers: Orphanet 892, MedGen C0019562, MONDO:0008667, OMIM 193300. Disease mechanism: loss of function.

Allele frequency attached by ClinVar (database versions not stated): gnomAD exomes below 0.00001.
gnomAD v4.1: 3 of 1,604,870 alleles (0.00019%); highest among the groups gnomAD compares: Non-Finnish European, 0.00025%; no homozygotes.

Submissions (2):

Ambry Genetics
Classification: Uncertain significance for Hereditary cancer-predisposing syndrome. Last evaluated: 2025-07-17. Review status: criteria provided, single submitter. Criteria: Ambry Variant Classification Scheme 2023. Collection method: clinical testing. Allele origin: germline.
Comment: The p.R82C variant (also known as c.244C>T), located in coding exon 1 of the VHL gene, results from a C to T substitution at nucleotide position 244. The arginine at codon 82 is replaced by cysteine, an amino acid with highly dissimilar properties. This variant was determined to be functionally neutral in one saturation genome editing assay (Buckley M et al. Nat Genet, 2024 Jul;56:1446-1455). Other variant(s) at the same codon, p.R82L (c.245G>T), have been identified in individual(s) with features consistent with von Hippel-Lindau syndrome (Amini Z et al. J. Pediatr. Endocrinol. Metab., 2013;26:369-72; Krauss T et al. Endocr. Relat. Cancer, 2018 09;25:783-793; Ebenazer A et al. Fam. Cancer, 2013 Sep;12:519-24; John AM et al. PLoS ONE, 2013 Apr;8:e61908; Penitenti F et al. Endocrine, 2021 Oct;74:180-187; Ambry internal data). This amino acid position is highly conserved in available vertebrate species. In addition, this alteration is predicted to be deleterious by in silico analysis. Based on the available evidence, the clinical significance of this variant remains unclear.

Labcorp Genetics (formerly Invitae), Labcorp
Classification: Uncertain significance for Von Hippel-Lindau syndrome; Chuvash polycythemia. Last evaluated: 2022-02-02. Review status: criteria provided, single submitter. Criteria: Invitae Variant Classification Sherloc (09022015). Collection method: clinical testing. Allele origin: germline.
Comment: This sequence change replaces arginine, which is basic and polar, with cysteine, which is neutral and slightly polar, at codon 82 of the VHL protein (p.Arg82Cys). This variant is present in population databases (no rsID available, gnomAD 0.001%). This variant has not been reported in the literature in individuals affected with VHL-related conditions. ClinVar contains an entry for this variant (Variation ID: 933618). Advanced modeling of protein sequence and biophysical properties (such as structural, functional, and spatial information, amino acid conservation, physicochemical variation, residue mobility, and thermodynamic stability) performed at Invitae indicates that this missense variant is expected to disrupt VHL protein function. Algorithms developed to predict the effect of sequence changes on RNA splicing suggest that this variant may create or strengthen a splice site. This variant disrupts the p.Arg82 amino acid residue in VHL. Other variant(s) that disrupt this residue have been determined to be pathogenic (PMID: 23327821, 23626751, 24977658). This suggests that this residue is clinically significant, and that variants that disrupt this residue are likely to be disease-causing. In summary, the available evidence is currently insufficient to determine the role of this variant in disease. Therefore, it has been classified as a Variant of Uncertain Significance.

Literature cited by the submitters: PubMed 38969834 (cited by Ambry Genetics); PubMed 23327821 (cited by Labcorp Genetics (formerly Invitae), Labcorp); PubMed 23626751 (cited by Labcorp Genetics (formerly Invitae), Labcorp); PubMed 24977658 (cited by Labcorp Genetics (formerly Invitae), Labcorp).